The following is an entry in ClinVar:

ClinVar aggregate classification (germline): Uncertain significance. Review status: criteria provided, multiple submitters, no conflicts (2 of 4 stars). 2 submissions from 2 submitters: Uncertain significance (2). Last evaluated 2025-04-05.

Conditions:
Inborn genetic diseases. Identifiers: MedGen C0950123, MeSH D030342.

gnomAD v4.1: 3 of 1,202,958 alleles (0.00025%); highest among the groups gnomAD compares: Non-Finnish European, 0.00034%; no homozygotes.

Submissions (2):

Ambry Genetics
Classification: Uncertain significance for Inborn genetic diseases. Last evaluated: 2025-04-05. Review status: criteria provided, single submitter. Criteria: Ambry Variant Classification Scheme 2023. Collection method: clinical testing. Allele origin: germline.

GeneDx
Classification: Uncertain significance. Last evaluated: 2025-02-07. Review status: criteria provided, single submitter. Criteria: GeneDx Variant Classification Process June 2021. Collection method: clinical testing. Allele origin: germline. Affected: yes.
Comment: In silico analysis supports that this missense variant has a deleterious effect on protein structure/function; Has not been previously published as pathogenic or benign to our knowledge

NM_078629.4(MSL3):c.1550C>T (p.Pro517Leu)

Gene: MSL3 (MSL complex subunit 3; plus strand). Cytogenetic location: Xp22.2.
Variant type: single nucleotide variant.
Coding change: c.1550C>T on transcript NM_078629.4 (MANE Select); coding-DNA position 1550, C replaced by T.
Protein change: p.Pro517Leu; replaces proline 517 with leucine.
Molecular consequence: missense variant.
Genome position (GRCh38, 1-based): chrX:11,775,063, C>T. VCF-style: chrX-11775063-C-T. GRCh37 (hg19) VCF-style: chrX-11793182-C-T.
Other names: c.1514C>T, p.Pro505Leu (NM_001193270.2); c.1103C>T, p.Pro368Leu (NM_001282174.1); c.1052C>T, p.Pro351Leu (NM_006800.4); short protein forms P351L, P517L, P368L, P505L.
Identifiers: ClinVar variation 3913816 (VCV003913816.2).